The following is an entry in ClinVar:

ClinVar aggregate classification (germline): Likely benign (0 of 4 stars; one submission).

Conditions:
KDM3B-related disorder. Also called: KDM3B-related condition.

Allele frequency attached by ClinVar (database versions not stated): gnomAD exomes 0.00002; TOPMed 0.00008; gnomAD 0.00009; ExAC 0.00011; 1000 Genomes Project 30x 0.00047; 1000 Genomes Project 0.00060.
gnomAD v4.1: 42 of 1,610,584 alleles (0.0026%); highest among the groups gnomAD compares: East Asian, 0.087%; no homozygotes.

Submission:

PreventionGenetics, part of Exact Sciences
Classification: Likely benign for KDM3B-related condition. Last evaluated: 2022-04-25. Review status: no assertion criteria provided. Collection method: clinical testing. Allele origin: germline.
Comment: This variant is classified as likely benign based on ACMG/AMP sequence variant interpretation guidelines (Richards et al. 2015 PMID: 25741868, with internal and published modifications).

NM_016604.4(KDM3B):c.1371C>T (p.Ala457=)

Gene: KDM3B (lysine demethylase 3B; plus strand). Cytogenetic location: 5q31.2.
Variant type: single nucleotide variant.
Coding change: c.1371C>T on transcript NM_016604.4 (MANE Select); coding-DNA position 1371, C replaced by T.
Protein change: p.Ala457=; no amino-acid change (alanine 457 retained).
Molecular consequence: synonymous variant.
Genome position (GRCh38, 1-based): chr5:138,386,612, C>T. VCF-style: chr5-138386612-C-T. GRCh37 (hg19) VCF-style: chr5-137722301-C-T.
Identifiers: ClinVar variation 3051041 (VCV003051041.2), dbSNP rs199770910, ClinGen allele CA3428892.